The following is an entry in ClinVar:

ClinVar aggregate classification (germline): Uncertain significance (1 of 4 stars; one submission).

Conditions:
Hereditary cancer-predisposing syndrome. Also called: Neoplastic Syndromes, Hereditary; Tumor predisposition; Hereditary neoplastic syndrome; Hereditary Cancer Syndrome. Identifiers: Orphanet 140162, MedGen C0027672, MeSH D009386, MONDO:0015356.

Submission:

Ambry Genetics
Classification: Uncertain significance for Hereditary cancer-predisposing syndrome. Last evaluated: 2023-01-05. Review status: criteria provided, single submitter. Criteria: Ambry Variant Classification Scheme 2023. Collection method: clinical testing. Allele origin: germline.
Comment: The c.1549-3C>A intronic variant results from a C to A substitution 3 nucleotides upstream from coding exon 12 in the APC gene. This nucleotide position is not well conserved in available vertebrate species. In silico splice site analysis predicts that this alteration will not have any significant effect on splicing. RNA studies have demonstrated that this alteration results in an incomplete splice defect. This incomplete splicing defect results in a transcript predicted to lead to a protein with an in-frame deletion of 26 amino acids; however, the exact functional impact of the deleted amino acids is unknown at this time (Ambry internal data). Since supporting evidence is limited at this time, the clinical significance of this alteration remains unclear.

NM_000038.6(APC):c.1549-3C>A

Gene: APC (APC regulator of Wnt signaling pathway; plus strand). Cytogenetic location: 5q22.2.
Variant type: single nucleotide variant.
Coding change: c.1549-3C>A on transcript NM_000038.6 (MANE Select); 3 bases into the intron before coding-DNA position 1549, C replaced by A.
Molecular consequence: intron variant.
Genome position (GRCh38, 1-based): chr5:112,827,926, C>A. VCF-style: chr5-112827926-C-A. GRCh37 (hg19) VCF-style: chr5-112163623-C-A.
Other names: c.700-3C>A (NM_001407470.1, NM_001354906.2); c.397-3C>A (NM_001407472.1, NM_001407471.1); c.1603-3C>A (NM_001407447.1, NM_001407448.1, NM_001407449.1 and 1 more transcripts); c.1549-3C>A (NM_001354895.2, NM_001407450.1, NM_001127510.3); c.1300-3C>A (NM_001407456.1, NM_001407457.1, NM_001407455.1 and 1 more transcripts); c.1246-3C>A (NM_001407460.1, NM_001407458.1, NM_001407459.1 and 1 more transcripts); c.1519-3C>A (NM_001407452.1); c.1162-3C>A (NM_001407469.1, NM_001407467.1); and 11 more.
Identifiers: ClinVar variation 2452673 (VCV002452673.3), dbSNP rs1188933026, ClinGen allele CA2580072422.